The following is an entry in ClinVar:

NM_144997.7(FLCN):c.139G>T (p.Glu47Ter)

Gene: FLCN (folliculin; minus strand). Cytogenetic location: 17p11.2.
Variant type: single nucleotide variant.
Coding change: c.139G>T on transcript NM_144997.7 (MANE Select); coding-DNA position 139, G replaced by T.
Protein change: p.Glu47Ter; replaces glutamic acid 47 with a stop codon.
Molecular consequence: nonsense.
Genome position (GRCh38, 1-based): chr17:17,227,999, C>A on the plus strand (G>T on the coding strand, the complement: FLCN is on the minus strand). VCF-style: chr17-17227999-C-A. GRCh37 (hg19) VCF-style: chr17-17131313-C-A.
Other names: c.139G>T, p.Glu47Ter (NM_001353230.2, NM_001353231.2, NM_144606.7 and 1 more transcripts); short protein forms E47*.
Identifiers: ClinVar variation 3621513 (VCV003621513.3).

ClinVar aggregate classification (germline): Pathogenic. Review status: criteria provided, multiple submitters, no conflicts (2 of 4 stars). 2 submissions from 2 submitters: Pathogenic (2). Last evaluated 2026-01-22.

Conditions:
Birt-Hogg-Dube syndrome. Also called: Birt Hogg Dubé syndrome. Identifiers: Orphanet 122, MedGen C0346010, MONDO:0800444.

Submissions (2):

Dasa
Classification: Pathogenic. Last evaluated: 2026-01-22. Review status: criteria provided, single submitter. Criteria: DASA Assertion Criteria. Collection method: clinical testing. Allele origin: germline.
Comment: NM_144997.7(FLCN):c.139G>T (p.Glu47*) introduces a premature termination codon predicted to result in loss of normal protein function. Loss-of-function is an established mechanism of disease for this gene. This variant has been reported in individuals with related phenotype (PMID: 37370942). The variant is present at low frequency in population datasets. Based on the available data, this variant is classified as pathogenic.

Labcorp Genetics (formerly Invitae), Labcorp
Classification: Pathogenic for Birt-Hogg-Dube syndrome. Last evaluated: 2024-08-15. Review status: criteria provided, single submitter. Criteria: Invitae Variant Classification Sherloc (09022015). Collection method: clinical testing. Allele origin: germline.
Comment: This sequence change creates a premature translational stop signal (p.Glu47*) in the FLCN gene. It is expected to result in an absent or disrupted protein product. Loss-of-function variants in FLCN are known to be pathogenic (PMID: 15852235). This variant is not present in population databases (gnomAD no frequency). This variant has not been reported in the literature in individuals affected with FLCN-related conditions. For these reasons, this variant has been classified as Pathogenic.

Literature cited by the submitters: PubMed 37370942 (cited by Dasa); PubMed 15852235 (cited by Labcorp Genetics (formerly Invitae), Labcorp).